The following is an entry in ClinVar:

NM_004758.4(TSPOAP1):c.3257G>A (p.Arg1086Gln)

Gene: TSPOAP1 (TSPO associated protein 1; minus strand). Cytogenetic location: 17q22.
Variant type: single nucleotide variant.
Coding change: c.3257G>A on transcript NM_004758.4 (MANE Select); coding-DNA position 3257, G replaced by A.
Protein change: p.Arg1086Gln; replaces arginine 1086 with glutamine.
Molecular consequence: missense variant.
Genome position (GRCh38, 1-based): chr17:58,311,038, C>T on the plus strand (G>A on the coding strand, the complement: TSPOAP1 is on the minus strand). VCF-style: chr17-58311038-C-T. GRCh37 (hg19) VCF-style: chr17-56388399-C-T.
Other names: c.3257G>A, p.Arg1086Gln (NM_001261835.2); c.3077G>A, p.Arg1026Gln (NM_024418.3); short protein forms R1026Q, R1086Q.
Identifiers: ClinVar variation 4821747 (VCV004821747.4).

ClinVar aggregate classification (germline): Uncertain significance (1 of 4 stars; one submission).

gnomAD v4.1: 120 of 1,587,384 alleles (0.0076%); highest among the groups gnomAD compares: South Asian, 0.12%; no homozygotes.

Submission:

CeGaT Center for Human Genetics Tuebingen
Classification: Uncertain significance. Last evaluated: 2026-02-01. Review status: criteria provided, single submitter. Criteria: CeGaT Center For Human Genetics Tuebingen Variant Classification Criteria Version 2. Collection method: clinical testing. Allele origin: germline. Affected: yes. Observed: 1 variant allele.
Comment: TSPOAP1: PM2, BP4